The following is an entry in ClinVar:

ClinVar aggregate classification (germline): Uncertain significance (1 of 4 stars; one submission).

Conditions:
Benign neonatal seizures. Also called: Benign familial neonatal seizures; Convulsions benign familial neonatal dominant form; Autosomal dominant form of benign neonatal seizures; Benign neonatal familial convulsions; Benign familial neonatal epilepsy. Identifiers: Orphanet 1949, MedGen C0220669, MONDO:0016027.

gnomAD v4.1: 1 of 1,614,172 alleles (0.000062%); highest among the groups gnomAD compares: South Asian, 0.0011%; no homozygotes.

Submission:

Labcorp Genetics (formerly Invitae), Labcorp
Classification: Uncertain significance for Benign neonatal seizures. Last evaluated: 2024-10-12. Review status: criteria provided, single submitter. Criteria: Invitae Variant Classification Sherloc (09022015). Collection method: clinical testing. Allele origin: germline.
Comment: This sequence change replaces serine, which is neutral and polar, with tryptophan, which is neutral and slightly polar, at codon 771 of the KCNQ3 protein (p.Ser771Trp). This variant is present in population databases (rs372002816, gnomAD 0.003%). This variant has not been reported in the literature in individuals affected with KCNQ3-related conditions. Invitae Evidence Modeling of protein sequence and biophysical properties (such as structural, functional, and spatial information, amino acid conservation, physicochemical variation, residue mobility, and thermodynamic stability) indicates that this missense variant is not expected to disrupt KCNQ3 protein function with a negative predictive value of 95%. In summary, the available evidence is currently insufficient to determine the role of this variant in disease. Therefore, it has been classified as a Variant of Uncertain Significance.

NM_004519.4(KCNQ3):c.2312C>G (p.Ser771Trp)

Gene: KCNQ3 (potassium voltage-gated channel subfamily Q member 3; minus strand). Cytogenetic location: 8q24.22.
Variant type: single nucleotide variant.
Coding change: c.2312C>G on transcript NM_004519.4 (MANE Select); coding-DNA position 2312, C replaced by G.
Protein change: p.Ser771Trp; replaces serine 771 with tryptophan.
Molecular consequence: missense variant.
Genome position (GRCh38, 1-based): chr8:132,129,569, G>C on the plus strand (C>G on the coding strand, the complement: KCNQ3 is on the minus strand). VCF-style: chr8-132129569-G-C. GRCh37 (hg19) VCF-style: chr8-133141816-G-C.
Other names: c.1952C>G, p.Ser651Trp (NM_001204824.2); short protein forms S651W, S771W.
Identifiers: ClinVar variation 3637104 (VCV003637104.2).